The following is an entry in ClinVar:

ClinVar aggregate classification (germline): Pathogenic (1 of 4 stars; one submission).

Conditions:
Pitt-Hopkins-like syndrome 2 (PTHSL2). Identifiers: Orphanet 221150, Orphanet 600663, MedGen C3280479, MONDO:0013690, OMIM 614325.

Submission:

Labcorp Genetics (formerly Invitae), Labcorp
Classification: Pathogenic for Pitt-Hopkins-like syndrome 2. Last evaluated: 2023-12-21. Review status: criteria provided, single submitter. Criteria: Invitae Variant Classification Sherloc (09022015). Collection method: clinical testing. Allele origin: germline.
Comment: This variant is a gross deletion of the genomic region encompassing exon(s) 2-3 of the NRXN1 gene, which includes the initiator codon. This deletion extends beyond the assayed region for this gene and therefore may encompass additional genes. It is expected to result in an absent or disrupted protein product. Loss-of-function variants in NRXN1 are known to be pathogenic (PMID: 19896112, 21964664, 23495017, 23533028, 25149956, 30031152). This variant has not been reported in the literature in individuals affected with NRXN1-related conditions. For these reasons, this variant has been classified as Pathogenic.

Literature cited by the submitters: PubMed 19896112; PubMed 21964664; PubMed 23495017; PubMed 23533028; PubMed 25149956; PubMed 30031152.

NC_000002.11:g.(?_51253489)_(51255411_?)del

Gene: NRXN1 (neurexin 1; minus strand). Cytogenetic location: 2p16.3.
Variant type: Deletion.
Identifiers: ClinVar variation 1452805 (VCV001452805.5).